The following is an entry in ClinVar:

ClinVar aggregate classification (germline): Uncertain significance (1 of 4 stars; one submission).

Allele frequency attached by ClinVar (database versions not stated): gnomAD 0.00001; gnomAD exomes 0.00002; TOPMed 0.00002; ExAC 0.00007.
gnomAD v4.1: 22 of 1,571,014 alleles (0.0014%); highest among the groups gnomAD compares: South Asian, 0.0057%; no homozygotes.

Submission:

Labcorp Genetics (formerly Invitae), Labcorp
Classification: Uncertain significance. Last evaluated: 2024-01-22. Review status: criteria provided, single submitter. Criteria: Invitae Variant Classification Sherloc (09022015). Collection method: clinical testing. Allele origin: germline.
Comment: This sequence change replaces glutamic acid, which is acidic and polar, with lysine, which is basic and polar, at codon 1611 of the SIPA1L3 protein (p.Glu1611Lys). The frequency data for this variant in the population databases is considered unreliable, as metrics indicate poor data quality at this position in the gnomAD database. This variant has not been reported in the literature in individuals affected with SIPA1L3-related conditions. An algorithm developed to predict the effect of missense changes on protein structure and function (PolyPhen-2) suggests that this variant is likely to be disruptive. In summary, the available evidence is currently insufficient to determine the role of this variant in disease. Therefore, it has been classified as a Variant of Uncertain Significance.

NM_015073.3(SIPA1L3):c.4831G>A (p.Glu1611Lys)

Gene: SIPA1L3 (signal induced proliferation associated 1 like 3; plus strand). Cytogenetic location: 19q13.13.
Variant type: single nucleotide variant.
Coding change: c.4831G>A on transcript NM_015073.3 (MANE Select); coding-DNA position 4831, G replaced by A.
Protein change: p.Glu1611Lys; replaces glutamic acid 1611 with lysine.
Molecular consequence: missense variant.
Genome position (GRCh38, 1-based): chr19:38,193,771, G>A. VCF-style: chr19-38193771-G-A. GRCh37 (hg19) VCF-style: chr19-38684411-G-A.
Other names: short protein forms E1611K.
Identifiers: ClinVar variation 2899633 (VCV002899633.3), dbSNP rs754689077, ClinGen allele CA9410496.